The following is an entry in ClinVar:

ClinVar aggregate classification (germline): Benign. Review status: criteria provided, multiple submitters, no conflicts (2 of 4 stars). 2 submissions from 2 submitters: Benign (2). Last evaluated 2018-01-13.

Conditions:
Alpha-1-antitrypsin deficiency (A1ATD). Also called: Alpha1-Antitrypsin Deficiency; AAT deficiency; A1AT deficiency. Identifiers: Orphanet 60, MedGen C0221757, MONDO:0013282, OMIM 613490.

Allele frequency attached by ClinVar (database versions not stated): gnomAD exomes 0.42857; gnomAD 0.62496 and 0.62751; TOPMed 0.63220; 1000 Genomes Project 0.66254; 1000 Genomes Project 30x 0.66802.
gnomAD v4.1: 95,041 of 152,176 alleles (62%); highest among the groups gnomAD compares: African/African-American, 90%; 32,278 homozygotes.

Submissions (2):

Illumina Laboratory Services, Illumina
Classification: Benign for Alpha-1-antitrypsin deficiency. Last evaluated: 2018-01-13. Review status: criteria provided, single submitter. Criteria: ICSL Variant Classification Criteria 13 December 2019. Collection method: clinical testing. Allele origin: germline.
Comment: This variant was observed in the ICSL laboratory as part of a predisposition screen in an ostensibly healthy population. It had not been previously curated by ICSL or reported in the Human Gene Mutation Database (HGMD: prior to June 1st, 2018), and was therefore a candidate for classification through an automated scoring system. Utilizing variant allele frequency, disease prevalence and penetrance estimates, and inheritance mode, an automated score was calculated to assess if this variant is too frequent to cause the disease. Based on the score and internal cut-off values, a variant classified as benign is not then subjected to further curation. The score for this variant resulted in a classification of benign for this disease.

Breakthrough Genomics
Classification: Benign. Review status: criteria provided, single submitter. Criteria: ACMG Guidelines, 2015. Collection method: not provided. Allele origin: germline. Inheritance: Autosomal recessive inheritance. Affected: yes.

NM_000295.5(SERPINA1):c.*1221A>G

Gene: SERPINA1 (serpin family A member 1; minus strand). Cytogenetic location: 14q32.13.
Variant type: single nucleotide variant.
Coding change: c.*1221A>G on transcript NM_000295.5 (MANE Select); 1221 bases downstream of the stop codon, A replaced by G.
Molecular consequence: 3 prime UTR variant.
Genome position (GRCh38, 1-based): chr14:94,377,228, T>C on the plus strand (A>G on the coding strand, the complement: SERPINA1 is on the minus strand). VCF-style: chr14-94377228-T-C. GRCh37 (hg19) VCF-style: chr14-94843565-T-C.
Other names: c.*1221A>G (NM_001127705.2, NM_001127706.2, NM_001127707.2 and 7 more transcripts).
Identifiers: ClinVar variation 315004 (VCV000315004.6), dbSNP rs11832, ClinGen allele CA10635575.
Genomic context (GRCh38, chr14:94,377,228, plus strand): 5'-TGACAGTGAGTGGTTAGACAGTGATTCCTAGATTAGTTTGGGATGGGGCAGTGCCTTCCA[T>C]AGGACAAGGCCATTCCTGGTAGAGACGGAGGGAGCAGGCTGTCCTTCAGCTAGGGGCCCA-3'